The following is an entry in ClinVar:

ClinVar aggregate classification (germline): Uncertain significance (1 of 4 stars; one submission).

Submission:

GeneDx
Classification: Uncertain significance. Last evaluated: 2019-12-24. Review status: criteria provided, single submitter. Criteria: GeneDx Variant Classification Process June 2021. Collection method: clinical testing. Allele origin: germline. Affected: yes.
Comment: Not observed in large population cohorts (Lek et al., 2016); In silico analysis, which includes protein predictors and evolutionary conservation, supports a deleterious effect; Has not been previously published as pathogenic or benign to our knowledge

NM_001385079.1(PDE10A):c.1847T>G (p.Val616Gly)

Gene: PDE10A (phosphodiesterase 10A; minus strand). Cytogenetic location: 6q27.
Variant type: single nucleotide variant.
Coding change: c.1847T>G on transcript NM_001385079.1 (MANE Select); coding-DNA position 1847, T replaced by G.
Protein change: p.Val616Gly; replaces valine 616 with glycine.
Molecular consequence: missense variant.
Genome position (GRCh38, 1-based): chr6:165,416,231, A>C on the plus strand (T>G on the coding strand, the complement: PDE10A is on the minus strand). VCF-style: chr6-165416231-A-C. GRCh37 (hg19) VCF-style: chr6-165829719-A-C.
Other names: c.1049T>G, p.Val350Gly (NM_001130690.3); c.1019T>G, p.Val340Gly (NM_006661.4); short protein forms V340G, V350G, V616G.
Identifiers: ClinVar variation 1311458 (VCV001311458.2), dbSNP rs2128229070, ClinGen allele CA366395649.
Genomic context (GRCh38, chr6:165,416,231, plus strand): 5'-ACATCAGCTATTTCTTACCTGTTAAAGCGTGGGTCTGCATAGGCATCTGGAATGTTCAGG[A>C]CTTCCCCTGTTCTTGCTACTTGGCCAGCAATTCCTTTCTCAATTGAAAATCTGCATATGT-3'
Protein context (NP_001372008.1, residues 606-626): IAGQVARTGE[Val616Gly]LNIPDAYADP